The following is an entry in ClinVar:

ClinVar aggregate classification (germline): Conflicting classifications of pathogenicity. Review status: criteria provided, conflicting classifications (1 of 4 stars). 2 submissions from 2 submitters: Uncertain significance (1); Likely benign (1). Last evaluated 2025-05-29.

Allele frequency attached by ClinVar (database versions not stated): gnomAD 0.00001; TOPMed 0.00001; gnomAD exomes 0.00004; ExAC 0.00009.
gnomAD v4.1: 70 of 1,614,128 alleles (0.0043%); highest among the groups gnomAD compares: South Asian, 0.033%; 1 homozygote.

Submissions (2):

Women's Health and Genetics/Laboratory Corporation of America, LabCorp
Classification: Uncertain significance. Last evaluated: 2025-05-29. Review status: criteria provided, single submitter. Criteria: LabCorp Variant Classification Summary - May 2015. Collection method: clinical testing. Allele origin: germline.
Comment: Variant summary: FAT2 c.4082C>T (p.Thr1361Met) results in a non-conservative amino acid change in the encoded protein sequence. Algorithms developed to predict the effect of missense changes on protein structure and function are either unavailable or do not agree on the potential impact of this missense change. The variant allele was found at a frequency of 6.8e-05 in 251352 control chromosomes (gnomAD). This frequency is not significantly higher than estimated for a pathogenic variant in FAT2 causing Spinocerebellar Ataxia 45, allowing no conclusion about variant significance. To our knowledge, no occurrence of c.4082C>T in individuals affected with Spinocerebellar Ataxia 45 and no experimental evidence demonstrating its impact on protein function have been reported. ClinVar contains an entry for this variant (Variation ID: 2655962). Based on the evidence outlined above, the variant was classified as uncertain significance.

CeGaT Center for Human Genetics Tuebingen
Classification: Likely benign. Last evaluated: 2022-07-01. Review status: criteria provided, single submitter. Criteria: CeGaT Center For Human Genetics Tuebingen Variant Classification Criteria Version 2. Collection method: clinical testing. Allele origin: germline. Affected: yes. Observed: 1 variant allele.
Comment: FAT2: BS2

NM_001447.3(FAT2):c.4082C>T (p.Thr1361Met)

Genes: FAT2 (FAT atypical cadherin 2; minus strand), SLC36A1 (solute carrier family 36 member 1; plus strand). Cytogenetic location: 5q33.1.
Variant type: single nucleotide variant.
Coding change: c.4082C>T on transcript NM_001447.3 (MANE Select); coding-DNA position 4082, C replaced by T.
Protein change: p.Thr1361Met; replaces threonine 1361 with methionine.
Molecular consequence: missense variant.
Genome position (GRCh38, 1-based): chr5:151,553,251, G>A on the plus strand (C>T on the coding strand, the complement: FAT2 is on the minus strand). VCF-style: chr5-151553251-G-A. GRCh37 (hg19) VCF-style: chr5-150932812-G-A.
Other names: short protein forms T1361M.
Identifiers: ClinVar variation 2655962 (VCV002655962.24), dbSNP rs751967199, ClinGen allele CA3521651.
Genomic context (GRCh38, chr5:151,553,251, plus strand): 5'-CAGAAGAGTCCGGGTCTGCCCTCTACGCTGATGACCCCCACCATGTGGTTCACAGGGTCC[G>A]TCTCCATGACCGTAAAGCTGTAGTAGGTCTCATCAAAGGCCAGAGGGATGGAGGACGGCC-3'
Protein context (NP_001438.1, residues 1351-1371): ETYYSFTVME[Thr1361Met]DPVNHMVGVI